The following is an entry in ClinVar:

NM_001145418.2(TTC28):c.2382C>T (p.Cys794=)

Gene: TTC28 (tetratricopeptide repeat domain 28; minus strand). Cytogenetic location: 22q12.1.
Variant type: single nucleotide variant.
Coding change: c.2382C>T on transcript NM_001145418.2 (MANE Select); coding-DNA position 2382, C replaced by T.
Protein change: p.Cys794=; no amino-acid change (cysteine 794 retained).
Molecular consequence: synonymous variant.
Genome position (GRCh38, 1-based): chr22:28,107,463, G>A on the plus strand (C>T on the coding strand, the complement: TTC28 is on the minus strand). VCF-style: chr22-28107463-G-A. GRCh37 (hg19) VCF-style: chr22-28503451-G-A.
Other names: c.2382C>T, p.Cys794= (NM_001393403.1); c.2028C>T, p.Cys676= (NM_001393404.1, NM_001393405.1).
Identifiers: ClinVar variation 708994 (VCV000708994.6), dbSNP rs371884009, ClinGen allele CA10167430.
Genomic context (GRCh38, chr22:28,107,463, plus strand): 5'-GAATGCCATTGTGTATTTCCCAAGGGCCATGTAGACAGCAGCCAGGTGCCCATGAGCTCT[G>A]CACTCCCCTGGCAAGTCACTCAGCTCCTGATATACCTCCAGTTCCTGTGTGTGATAACCC-3'
Protein context (NP_001138890.1, residues 784-804): YQELSDLPGE[Cys794=]RAHGHLAAVY

ClinVar aggregate classification (germline): Benign. Review status: criteria provided, multiple submitters, no conflicts (2 of 4 stars). 3 submissions from 3 submitters: Benign (2). 1 of the submissions does not count toward it. Last evaluated 2018-12-19.

Conditions:
TTC28-related disorder. Also called: TTC28-related condition.

Allele frequency attached by ClinVar (database versions not stated): gnomAD 0.00024 and 0.00048; TOPMed 0.00038; ESP Exome Variant Server 0.00044; gnomAD exomes 0.00077 and 0.00160; 1000 Genomes Project 30x 0.00141; 1000 Genomes Project 0.00160; ExAC 0.00303.
gnomAD v4.1: 1,161 of 1,551,678 alleles (0.075%); highest among the groups gnomAD compares: South Asian, 0.82%; 5 homozygotes.

Submissions (3):

Labcorp Genetics (formerly Invitae), Labcorp
Classification: Benign. Last evaluated: 2018-12-19. Review status: criteria provided, single submitter. Criteria: Invitae Variant Classification Sherloc (09022015). Collection method: clinical testing. Allele origin: germline.

Breakthrough Genomics
Classification: Benign. Review status: criteria provided, single submitter. Criteria: ACMG Guidelines, 2015. Collection method: not provided. Allele origin: germline. Inheritance: Unknown mechanism. Affected: yes.

PreventionGenetics, part of Exact Sciences
Classification: Benign for TTC28-related condition. Last evaluated: 2019-05-14. Review status: no assertion criteria provided. Collection method: clinical testing. Allele origin: germline. Not counted in ClinVar's aggregate classification.
Comment: This variant is classified as benign based on ACMG/AMP sequence variant interpretation guidelines (Richards et al. 2015 PMID: 25741868, with internal and published modifications).